The following is an entry in ClinVar:

NM_133433.4(NIPBL):c.6455G>T (p.Arg2152Leu)

Gene: NIPBL (NIPBL cohesin loading factor; plus strand). Cytogenetic location: 5p13.2.
Variant type: single nucleotide variant.
Coding change: c.6455G>T on transcript NM_133433.4 (MANE Select); coding-DNA position 6455, G replaced by T.
Protein change: p.Arg2152Leu; replaces arginine 2152 with leucine.
Molecular consequence: missense variant.
Genome position (GRCh38, 1-based): chr5:37,045,554, G>T. VCF-style: chr5-37045554-G-T. GRCh37 (hg19) VCF-style: chr5-37045656-G-T.
Other names: c.6455G>T, p.Arg2152Leu (NM_015384.5); short protein forms R2152L.
Identifiers: ClinVar variation 3635356 (VCV003635356.2).
Genomic context (GRCh38, chr5:37,045,554, plus strand): 5'-CACTTCTAACAAACAAACCAGCACTTCTTAGATCCCTTTTCACCGTTGGAGCACTATGTC[G>T]GCATTTTGATTTTGATCTGGAAGATTTTAAAGGCAACAGCAAGGTAAAGGTAGTAATACT-3'
Protein context (NP_597677.2, residues 2142-2162): RSLFTVGALC[Arg2152Leu]HFDFDLEDFK

ClinVar aggregate classification (germline): Uncertain significance (1 of 4 stars; one submission).

Conditions:
Cornelia de Lange syndrome 1 (CDLS1). Also called: Brachmann de Lange syndrome; NIPBL-Related Cornelia de Lange Syndrome; TYPUS DEGENERATIVUS AMSTELODAMENSIS. Identifiers: Orphanet 199, MedGen C4551851, MONDO:0007387, OMIM 122470.

Submission:

Labcorp Genetics (formerly Invitae), Labcorp
Classification: Uncertain significance for Cornelia de Lange syndrome 1. Last evaluated: 2024-03-03. Review status: criteria provided, single submitter. Criteria: Invitae Variant Classification Sherloc (09022015). Collection method: clinical testing. Allele origin: germline.
Comment: This sequence change replaces arginine, which is basic and polar, with leucine, which is neutral and non-polar, at codon 2152 of the NIPBL protein (p.Arg2152Leu). This variant is not present in population databases (gnomAD no frequency). This variant has not been reported in the literature in individuals affected with NIPBL-related conditions. Advanced modeling of protein sequence and biophysical properties (such as structural, functional, and spatial information, amino acid conservation, physicochemical variation, residue mobility, and thermodynamic stability) has been performed at Invitae for this missense variant, however the output from this modeling did not meet the statistical confidence thresholds required to predict the impact of this variant on NIPBL protein function. This variant disrupts the p.Arg2152 amino acid residue in NIPBL. Other variant(s) that disrupt this residue have been determined to be pathogenic (Invitae). This suggests that this residue is clinically significant, and that variants that disrupt this residue are likely to be disease-causing. In summary, the available evidence is currently insufficient to determine the role of this variant in disease. Therefore, it has been classified as a Variant of Uncertain Significance.